The following is an entry in ClinVar:

ClinVar aggregate classification (germline): Uncertain significance (1 of 4 stars; one submission).

Conditions:
Cardiovascular phenotype. Identifiers: MedGen CN230736.

Submission:

Ambry Genetics
Classification: Uncertain significance for Cardiovascular phenotype. Last evaluated: 2024-02-09. Review status: criteria provided, single submitter. Criteria: Ambry Variant Classification Scheme 2023. Collection method: clinical testing. Allele origin: germline.
Comment: The p.Q461H variant (also known as c.1383G>C), located in coding exon 8 of the CYP27A1 gene, results from a G to C substitution at nucleotide position 1383. The glutamine at codon 461 is replaced by histidine, an amino acid with highly similar properties. This amino acid position is conserved. In addition, this alteration is predicted to be tolerated by in silico analysis. Based on the available evidence, the clinical significance of this alteration remains unclear.

NM_000784.4(CYP27A1):c.1383G>C (p.Gln461His)

Gene: CYP27A1 (cytochrome P450 family 27 subfamily A member 1; plus strand). Cytogenetic location: 2q35.
Variant type: single nucleotide variant.
Coding change: c.1383G>C on transcript NM_000784.4 (MANE Select); coding-DNA position 1383, G replaced by C.
Protein change: p.Gln461His; replaces glutamine 461 with histidine.
Molecular consequence: missense variant.
Genome position (GRCh38, 1-based): chr2:218,814,664, G>C. VCF-style: chr2-218814664-G-C. GRCh37 (hg19) VCF-style: chr2-219679387-G-C.
Other names: short protein forms Q461H.
Identifiers: ClinVar variation 3232283 (VCV003232283.1), dbSNP rs2470230091, ClinGen allele CA350594744.
Genomic context (GRCh38, chr2:218,814,664, plus strand): 5'-TGAAAGCTTCCAGCCCCACCGCTGGCTGAGAAACAGCCAGCCTGCTACCCCCAGGATCCA[G>C]CACCCATTTGGCTCTGTGCCCTTTGGCTATGGGGTCCGGGCCTGCCTGGGCCGCAGGATT-3'
Protein context (NP_000775.1, residues 451-471): RNSQPATPRI[Gln461His]HPFGSVPFGY